The following is an entry in ClinVar:

ClinVar aggregate classification (germline): Uncertain significance. Review status: criteria provided, multiple submitters, no conflicts (2 of 4 stars). 2 submissions from 2 submitters: Uncertain significance (2). Last evaluated 2024-12-03.

Conditions:
Inborn genetic diseases. Identifiers: MedGen C0950123, MeSH D030342.

Allele frequency attached by ClinVar (database versions not stated): TOPMed below 0.00001; gnomAD 0.00001; gnomAD exomes 0.00001.
gnomAD v4.1: 10 of 1,613,284 alleles (0.00062%); highest among the groups gnomAD compares: South Asian, 0.0066%; 1 homozygote.

Submissions (2):

Ambry Genetics
Classification: Uncertain significance for Inborn genetic diseases. Last evaluated: 2024-12-03. Review status: criteria provided, single submitter. Criteria: Ambry Variant Classification Scheme 2023. Collection method: clinical testing. Allele origin: germline.

Labcorp Genetics (formerly Invitae), Labcorp
Classification: Uncertain significance. Last evaluated: 2022-01-01. Review status: criteria provided, single submitter. Criteria: Invitae Variant Classification Sherloc (09022015). Collection method: clinical testing. Allele origin: germline.
Comment: In summary, the available evidence is currently insufficient to determine the role of this variant in disease. Therefore, it has been classified as a Variant of Uncertain Significance. Algorithms developed to predict the effect of missense changes on protein structure and function are either unavailable or do not agree on the potential impact of this missense change (SIFT: "Deleterious"; PolyPhen-2: "Not Available"; Align-GVGD: "Class C0"). This variant has not been reported in the literature in individuals affected with PCLO-related conditions. This variant is present in population databases (no rsID available, gnomAD 0.003%). This sequence change replaces proline, which is neutral and non-polar, with arginine, which is basic and polar, at codon 627 of the PCLO protein (p.Pro627Arg).

NM_033026.6(PCLO):c.1880C>G (p.Pro627Arg)

Gene: PCLO (piccolo presynaptic cytomatrix protein; minus strand). Cytogenetic location: 7q21.11.
Variant type: single nucleotide variant.
Coding change: c.1880C>G on transcript NM_033026.6 (MANE Select); coding-DNA position 1880, C replaced by G.
Protein change: p.Pro627Arg; replaces proline 627 with arginine.
Molecular consequence: missense variant.
Genome position (GRCh38, 1-based): chr7:83,154,761, G>C on the plus strand (C>G on the coding strand, the complement: PCLO is on the minus strand). VCF-style: chr7-83154761-G-C. GRCh37 (hg19) VCF-style: chr7-82784077-G-C.
Other names: c.1880C>G, p.Pro627Arg (NM_014510.3); c.1880C>G (NM_033026.5); short protein forms P627R.
Identifiers: ClinVar variation 1959927 (VCV001959927.6), dbSNP rs921495204, ClinGen allele CA161190696.